The following is an entry in ClinVar:

ClinVar aggregate classification (germline): Uncertain significance (1 of 4 stars; one submission).

Conditions:
Intellectual developmental disorder, autosomal dominant 44, with microcephaly. Also called: Micrognathia-recurrent infections-behavioral abnormalities-mild intellectual disability syndrome; TRIO-Related Intellectual Disability. Identifiers: Orphanet 476126, MedGen C4310740, MONDO:0014892, OMIM 617061.

Submission:

3billion
Classification: Uncertain significance for Intellectual developmental disorder, autosomal dominant 44, with microcephaly. Last evaluated: 2022-05-22. Review status: criteria provided, single submitter. Criteria: ACMG Guidelines, 2015. Collection method: clinical testing. Allele origin: germline. Affected: yes. Observed: 1 heterozygote.
Comment: The variant is not observed in the gnomAD v2.1.1 dataset. Missense changes are a common disease-causing mechanism. Therefore, this variant is classified as uncertain significanceaccording to the recommendation of ACMG/AMP guideline.

NM_007118.4(TRIO):c.4751A>T (p.Lys1584Met)

Gene: TRIO (trio Rho guanine nucleotide exchange factor; plus strand). Cytogenetic location: 5p15.2.
Variant type: single nucleotide variant.
Coding change: c.4751A>T on transcript NM_007118.4 (MANE Select); coding-DNA position 4751, A replaced by T.
Protein change: p.Lys1584Met; replaces lysine 1584 with methionine.
Molecular consequence: missense variant. On other transcripts: non-coding transcript variant (1).
Genome position (GRCh38, 1-based): chr5:14,405,882, A>T. VCF-style: chr5-14405882-A-T. GRCh37 (hg19) VCF-style: chr5-14405991-A-T.
Other names: short protein forms K1584M.
Identifiers: ClinVar variation 1687161 (VCV001687161.1), dbSNP rs2152380313, ClinGen allele CA359197442.